The following is an entry in ClinVar:

ClinVar aggregate classification (germline): Uncertain significance (1 of 4 stars; one submission).

Submission:

Labcorp Genetics (formerly Invitae), Labcorp
Classification: Uncertain significance. Last evaluated: 2025-03-17. Review status: criteria provided, single submitter. Criteria: Invitae Variant Classification Sherloc (09022015). Collection method: clinical testing. Allele origin: germline.
Comment: This sequence change replaces glutamic acid, which is acidic and polar, with aspartic acid, which is acidic and polar, at codon 2200 of the ARID1A protein (p.Glu2200Asp). This variant is not present in population databases (gnomAD no frequency). This variant has not been reported in the literature in individuals affected with ARID1A-related conditions. ClinVar contains an entry for this variant (Variation ID: 2093894). Invitae Evidence Modeling of protein sequence and biophysical properties (such as structural, functional, and spatial information, amino acid conservation, physicochemical variation, residue mobility, and thermodynamic stability) indicates that this missense variant is expected to disrupt ARID1A protein function with a positive predictive value of 80%. In summary, the available evidence is currently insufficient to determine the role of this variant in disease. Therefore, it has been classified as a Variant of Uncertain Significance.

NM_006015.6(ARID1A):c.6600G>T (p.Glu2200Asp)

Gene: ARID1A (AT-rich interaction domain 1A; plus strand). Cytogenetic location: 1p36.11.
Variant type: single nucleotide variant.
Coding change: c.6600G>T on transcript NM_006015.6 (MANE Select); coding-DNA position 6600, G replaced by T.
Protein change: p.Glu2200Asp; replaces glutamic acid 2200 with aspartic acid.
Molecular consequence: missense variant.
Genome position (GRCh38, 1-based): chr1:26,780,498, G>T. VCF-style: chr1-26780498-G-T. GRCh37 (hg19) VCF-style: chr1-27106989-G-T.
Other names: c.5949G>T, p.Glu1983Asp (NM_139135.4); short protein forms E1983D, E2200D.
Identifiers: ClinVar variation 2093894 (VCV002093894.4), dbSNP rs2124150895, ClinGen allele CA339193300.